The following is an entry in ClinVar:

ClinVar aggregate classification (germline): Pathogenic (1 of 4 stars; one submission).

Conditions:
Tuberous sclerosis 2 (TSC2). Identifiers: Orphanet 805, MedGen C1860707, MONDO:0013199, OMIM 613254.

Submission:

Labcorp Genetics (formerly Invitae), Labcorp
Classification: Pathogenic for Tuberous sclerosis 2. Last evaluated: 2019-05-29. Review status: criteria provided, single submitter. Criteria: Invitae Variant Classification Sherloc (09022015). Collection method: clinical testing. Allele origin: germline.
Comment: Loss-of-function variants in TSC2 are known to be pathogenic (PMID: 10205261, 17304050). For these reasons, this variant has been classified as Pathogenic. This variant has not been reported in the literature in individuals with TSC2-related conditions. This variant is not present in population databases (ExAC no frequency). This sequence change creates a premature translational stop signal (p.Leu873Cysfs*21) in the TSC2 gene. It is expected to result in an absent or disrupted protein product.

Literature cited by the submitters: PubMed 10205261; PubMed 17304050.

NM_000548.5(TSC2):c.2616_2617delinsG (p.Leu873fs)

Gene: TSC2 (TSC complex subunit 2; plus strand). Cytogenetic location: 16p13.3.
Variant type: Indel.
Coding change: c.2616_2617delinsG on transcript NM_000548.5 (MANE Select); coding-DNA positions 2616 to 2617, CC replaced by G.
Protein change: p.Leu873fs; shifts the reading frame from leucine 873.
Molecular consequence: frameshift variant.
Genome position (GRCh38, 1-based): chr16:2,075,869-2,075,870, CC replaced by G. VCF-style: chr16-2075869-CC-G. GRCh37 (hg19) VCF-style: chr16-2125870-CC-G.
Other names: c.2616_2617delinsG, p.Leu873fs (NM_001370405.1, NM_021055.3, NM_001077183.3 and 3 more transcripts); c.2505_2506delinsG, p.Leu836fs (NM_001318827.2); c.2469_2470delinsG, p.Leu824fs (NM_001318829.2); c.2016_2017delinsG, p.Leu673fs (NM_001318831.2); c.2649_2650delinsG, p.Leu884fs (NM_001318832.2); short protein forms L824fs, L836fs, L673fs, L884fs, L873fs.
Identifiers: ClinVar variation 968549 (VCV000968549.5), dbSNP rs2089270984, ClinGen allele CA1139664318.